The following is an entry in ClinVar:

NM_152906.7(TANGO2):c.792C>A (p.His264Gln)

Gene: TANGO2 (transport and golgi organization 2 homolog; plus strand). Cytogenetic location: 22q11.21.
Variant type: single nucleotide variant.
Coding change: c.792C>A on transcript NM_152906.7 (MANE Select); coding-DNA position 792, C replaced by A.
Protein change: p.His264Gln; replaces histidine 264 with glutamine.
Molecular consequence: missense variant. On other transcripts: non-coding transcript variant (5), 3 prime UTR variant (7).
Genome position (GRCh38, 1-based): chr22:20,064,623, C>A. VCF-style: chr22-20064623-C-A. GRCh37 (hg19) VCF-style: chr22-20052146-C-A.
Other names: c.498C>A, p.His166Gln (NM_001322172.2, NM_001322173.2, NM_001322174.2 and 3 more transcripts); c.792C>A, p.His264Gln (NM_001283106.3, NM_001283116.3); c.915C>A, p.His305Gln (NM_001283129.3, NM_001322143.2); c.*31C>A (NM_001283148.3, NM_001283154.3, NM_001322144.2 and 2 more transcripts); c.606C>A, p.His202Gln (NM_001283179.3, NM_001283186.3, NM_001322163.2 and 2 more transcripts); c.567C>A, p.His189Gln (NM_001283199.3); c.*59C>A (NM_001283215.3); c.*128C>A (NM_001283248.3); and 6 more; short protein forms H218Q, H189Q, H243Q, H316Q, H166Q, H202Q, H230Q, H264Q.
Identifiers: ClinVar variation 1448485 (VCV001448485.5), dbSNP rs766329222, ClinGen allele CA410700645.

ClinVar aggregate classification (germline): Uncertain significance (1 of 4 stars; one submission).

Allele frequency attached by ClinVar (database versions not stated): TOPMed 0.00002.
gnomAD v4.1: 4 of 1,614,172 alleles (0.00025%); highest among the groups gnomAD compares: Non-Finnish European, 0.00034%; no homozygotes.

Submission:

Labcorp Genetics (formerly Invitae), Labcorp
Classification: Uncertain significance. Last evaluated: 2022-03-22. Review status: criteria provided, single submitter. Criteria: Invitae Variant Classification Sherloc (09022015). Collection method: clinical testing. Allele origin: germline.
Comment: This sequence change replaces histidine with glutamine at codon 264 of the TANGO2 protein (p.His264Gln). The histidine residue is weakly conserved and there is a small physicochemical difference between histidine and glutamine. This variant is present in population databases (no rsID available, gnomAD 0.0009%). This variant has not been reported in the literature in individuals affected with TANGO2-related conditions. Algorithms developed to predict the effect of missense changes on protein structure and function output the following: SIFT: "Not Available"; PolyPhen-2: "Benign"; Align-GVGD: "Not Available". The glutamine amino acid residue is found in multiple mammalian species, which suggests that this missense change does not adversely affect protein function. In summary, the available evidence is currently insufficient to determine the role of this variant in disease. Therefore, it has been classified as a Variant of Uncertain Significance.